The following continues an entry in ClinVar:

NM_000157.4(GBA1):c.1342G>C (p.Asp448His)

ClinVar aggregate classification (germline): Pathogenic/Likely pathogenic. Pathogenic (28); Likely pathogenic (1).

Submissions 11 to 23 of 35:

Laboratory of Medical Genetics, National & Kapodistrian University of Athens
Classification: Pathogenic for Gaucher disease type I. Last evaluated: 2022-09-28. Review status: criteria provided, single submitter. Criteria: ACMG Guidelines, 2015. Collection method: clinical testing. Allele origin: germline. Affected: yes.
Comment: PS3, PM1, PM2, PP2, PP5

Revvity Omics, Revvity
Classification: Pathogenic. Last evaluated: 2022-09-15. Review status: criteria provided, single submitter. Criteria: ACMG Guidelines, 2015. Collection method: clinical testing. Allele origin: germline.

Fulgent Genetics
Classification: Pathogenic for Lewy body dementia; Parkinson disease, late-onset; Gaucher disease type I; Gaucher disease type II; Gaucher disease type III; Gaucher disease-ophthalmoplegia-cardiovascular calcification syndrome; Gaucher disease perinatal lethal. Last evaluated: 2021-12-16. Review status: criteria provided, single submitter. Criteria: ACMG Guidelines, 2015. Collection method: clinical testing. Allele origin: unknown.

GeneDx
Classification: Pathogenic. Last evaluated: 2021-08-17. Review status: criteria provided, single submitter. Criteria: GeneDx Variant Classification Process June 2021. Collection method: clinical testing. Allele origin: germline. Affected: yes.
Comment: Functional analysis of D448H found that it is associated with significantly reduced beta-glucocerebrosidase enzyme activity (Grace et al., 1994); In silico analysis supports that this missense variant has a deleterious effect on protein structure/function; Previously reported as D409H due to the use of alternate nomenclature; This variant is associated with the following publications: (PMID: 19816973, 9040001, 19286695, 9061570, 10447266, 10796875, 11992489, 23588557, 16293621, 21742527, 2269438, 21700325, 15146461, 29934114, 30637984, 31709146, 31996268, 8294487, 22975760, 21745757, 24126159, 20816920, 7627184, 10360404, 21472771, 21257328, 8544197, 27312774, 26096741, 27717005, 25946768, 26887759, 29656334, 28894968, 10714667, 14578207, 8160756, 30528841, 31026225, 28393750, 31130326, 30410382, 28040394, 31216804, 31589614, 32677286, 9556036, 32618053, 33763395, 33176831, 32658388, 32714263)

Victorian Clinical Genetics Services, Murdoch Childrens Research Institute
Classification: Pathogenic for Gaucher disease type I. Last evaluated: 2021-05-06. Review status: criteria provided, single submitter. Criteria: ACMG Guidelines, 2015. Collection method: clinical testing. Allele origin: germline. Inheritance: Autosomal recessive inheritance. Affected: yes.
Comment: Based on the classification scheme VCGS_Germline_v1.3.4, this variant is classified as Pathogenic. Following criteria are met: 0102 - Loss of function is a known mechanism of disease in this gene and is associated with Gaucher disease (OMIM). (I) 0106 - This gene is associated with autosomal recessive disease. The different types of Gaucher disease are considered to fall within a spectrum, rather than distinct conditions, and are determined by age of disease onset and the presence and severity of neurologic function. Specific counseling about individual case prognosis is hindered by a significant overlap in the clinical features of individuals with various genotypes (OMIM, GeneReviews). (I) 0115 - Variants in this gene are known to have variable expressivity. Intrafamilial variability has been reported, with monozygotic twins displaying a disordant phenotype (PMID: 31010158, GeneReviews). (I) 0200 - Variant is predicted to result in a missense amino acid change from aspartic acid to histidine. (I) 0251 - This variant is heterozygous. (I) 0304 - Variant is present in gnomAD (v2) <0.01 for a recessive condition (38 heterozygotes, 0 homozygotes). (SP) 0309 - An alternative amino acid change at the same position has been observed in gnomAD (v2) (1 heterozygote, 0 homozygotes). (I) 0502 - Missense variant with conflicting in silico predictions and uninformative conservation. (I) 0600 - Variant is located in the annotated glycosyl hydrolase family 30 TIM-barrel domain (NCBI). (I) 0801 - This variant has strong previous evidence of pathogenicity in unrelated individuals. This variant has previously been reported in at least ten individuals with Gaucher disease (ClinVar, PMID: 31130326). Individuals homozygous for this variant also tend to develop cardiovascular disease (GeneReviews). (SP) 1201 - Heterozygous variant detected in trans with a second pathogenic heterozygous variant (NM_000157.3(GBA):c.887G>A; p.(Arg296Gln)) in a recessive disease. (I) Legend: (SP) - Supporting pathogenic, (I) - Information, (SB) - Supporting benign

Fulgent Genetics
Classification: Pathogenic for Parkinson disease, late-onset. Last evaluated: 2021-05-03. Review status: criteria provided, single submitter. Criteria: ACMG Guidelines, 2015. Collection method: clinical testing. Allele origin: germline. Affected: yes.

Centre for Mendelian Genomics, University Medical Centre Ljubljana
Classification: Pathogenic for Gaucher disease perinatal lethal. Last evaluated: 2020-04-01. Review status: criteria provided, single submitter. Criteria: ACMG Guidelines, 2015. Collection method: clinical testing. Allele origin: unknown. Affected: yes.
Comment: This variant was classified as: Pathogenic. The following ACMG criteria were applied in classifying this variant: PS3,PS4,PM2,PM3,PP3,PS1_SUP.

Broad Center for Mendelian Genomics, Broad Institute of MIT and Harvard
Classification: Pathogenic for Gaucher disease. Last evaluated: 2020-01-22. Review status: criteria provided, single submitter. Criteria: ACMG Guidelines, 2015. Collection method: curation. Allele origin: germline. Inheritance: Autosomal recessive inheritance.
Comment: The p.Asp448His variant in GBA has been reported in at least 33 individuals with Gaucher disease (PMID: 17427031, 8213821, 18586596, 11933202, 19816973) and has been identified in 0.020% (7/34432) of Latino chromosomes by the Genome Aggregation Database (gnomAD; dbSNP rs1064651). Although this variant has been seen in the general population, its frequency is low enough to be consistent with a recessive carrier frequency. This variant has also been reported in ClinVar (VariationID: 4293) as likely pathogenic by Counsyl and as pathogenic by EGL Genetic Diagnostics, GeneDx, Integrated Genetics, Fulgent Genetics, Mayo Clinic Genetic Testing Laboratories, and OMIM. Animal models in mice have shown that this variant causes Gaucher disease based on visceral disease and decreased beta-glucosidase levels (PMID: 16061944). Computational prediction tools and conservation analyses suggest that this variant may impact the protein, though this information is not predictive enough to determine pathogenicity. One additional likely pathogenic variant, resulting in a different amino acid change at the same position, p.Asp448Val, has been reported in association with disease in the literature and ClinVar, slightly supporting that a change at this position may not be tolerated (PMID: 2349952, 17509920, 28223512, 2508065; Variation ID: 4294). Additionally, the homozygous occurrence of this variant in at least 23 individuals with Gaucher disease and the presence of this variant in combination with reported pathogenic variants in at least 9 individuals with Gaucher disease (VariationID: 4327, 4288, 03445; PMID: 17427031, 8213821, 18586596, 11933202, 19816973) increases the likelihood that the p.Asp448His variant is pathogenic. In summary, this variant meets criteria to be classified as pathogenic for Gaucher disease in an autosomal recessive manner based on the multiple occurrences of the variant in affected individuals who are homozygous or compound heterozygous with another pathogenic variant, mouse models showing the variant to be damaging, and computational tools. ACMG/AMP Criteria applied: PM3_very-strong, PS3, PM2_supporting, PM5_supporting, PP3 (Richards 2015).

Myriad Genetics, Inc.
Classification: Likely pathogenic for Gaucher disease type I. Last evaluated: 2019-12-20. Review status: criteria provided, single submitter. Criteria: Myriad Women's Health Autosomal Recessive and X-Linked Classification Criteria (2019). Collection method: clinical testing. Allele origin: unknown.
Comment: NM_001005741.2(GBA):c.1342G>C(D448H) is classified as likely pathogenic in the context of Gaucher disease. Sources cited for classification include the following: PMID 15146461, 2269438, 11992489, 16293621, 19816973, 11359469 and 8544197. Classification of NM_001005741.2(GBA):c.1342G>C(D448H) is based on the following criteria: This variant has been observed more frequently in patients with clinical diagnoses than in healthy populations. Please note: this variant was assessed in the context of healthy population screening.

Department of Neurology, Qilu Hospital of Shandong University
Classification: Pathogenic for Gaucher disease type I. Last evaluated: 2019-05-01. Review status: criteria provided, single submitter. Criteria: ACMG2015. Collection method: clinical testing. Allele origin: germline. Affected: yes. Observed: 1 variant allele.

Women's Health and Genetics/Laboratory Corporation of America, LabCorp
Classification: Pathogenic for Gaucher disease. Last evaluated: 2016-12-23. Review status: criteria provided, single submitter. Criteria: LabCorp Variant Classification Summary - May 2015. Collection method: clinical testing. Allele origin: germline.
Comment: Variant summary: The GBA c.1342G>C (p.Asp448His) variant, alternatively also known as D409H, involves the alteration of a conserved nucleotide, is located in Glycoside hydrolase superfamily domain (InterPro) and is predicted to be damaging by 2/4 in silico tools. This variant was found in 11/100268 control chromosomes at a frequency of 0.0001097, which does not exceed the estimated maximal expected allele frequency of a pathogenic GBA variant (0.005). This variant is widely reported as a pathogenic variant with consistent genotype-phenotype and functional study data. The allele frequency of this variant from a cohort of all GD patients (n=436) registered in Portugal and Spain was 28/872 (3.3%). The variant typically causes severe form of disease (i.e. GD type 3) when present in homozygous state. Another missense variant at this residue D448V is also a known pathogenic variant. Multiple clinical diagnostic laboratories/reputable databases have classified this variant as pathogenic. Taken together, this variant is classified as Pathogenic.

Eurofins Ntd Llc (ga)
Classification: Pathogenic. Last evaluated: 2016-04-20. Review status: criteria provided, single submitter. Criteria: EGL Classification Definitions. Collection method: clinical testing. Allele origin: germline. Observed: 16 variant alleles, 16 heterozygotes.

Genetic Diagnostics Department, Viafet Genomics Laboratory
Classification: Pathogenic for Gaucher disease type I. Last evaluated: 2016-04-05. Review status: criteria provided, single submitter. Criteria: ACMG Guidelines, 2015. Collection method: clinical testing. Allele origin: germline. Inheritance: Autosomal recessive inheritance. Affected: no. Observed: 1 variant allele, 1 heterozygote.
Comment: This variant has been identified in a homozygous and compound heterozygous state in patients affected with Gaucher disease type I, II or IIIC (PMIDs: 33176831, 31130326, 31026225, 25946768, 19816973 and 11992489).